The following is an entry in ClinVar:

NM_001079802.2(FKTN):c.979_985dup (p.Ser329fs)

Gene: FKTN (fukutin; plus strand). Cytogenetic location: 9q31.2.
Variant type: Duplication.
Coding change: c.979_985dup on transcript NM_001079802.2 (MANE Select); coding-DNA positions 979 to 985, 7 bases duplicated (TACAAAT; older notation c.979_985dupTACAAAT).
Protein change: p.Ser329fs; shifts the reading frame from serine 329.
Molecular consequence: frameshift variant. On other transcripts: non-coding transcript variant (1).
Genome position (GRCh38, 1-based): chr9:105,618,027-105,618,033, TACAAAT duplicated; duplicating any 7 consecutive bases within chr9:105,618,025-105,618,033 gives the same sequence; the c. name uses the placement nearest the transcript's 3' end. VCF-style (leftmost placement, unchanged base first): chr9-105618024-G-GATTACAA. GRCh37 (hg19) VCF-style: chr9-108380305-G-GATTACAA.
Other names: c.979_985dup, p.Ser329fs (NM_001198963.2, NM_001351496.2, NM_001351498.2 and 1 more transcripts); c.910_916dup, p.Ser306fs (NM_001351497.2); c.583_589dup, p.Ser197fs (NM_001351499.2, NM_001351500.2, NM_001351501.2 and 1 more transcripts); short protein forms S306fs, S329fs, S197fs.
Identifiers: ClinVar variation 2787966 (VCV002787966.3), dbSNP rs2539710750, ClinGen allele CA2739264917.

ClinVar aggregate classification (germline): Pathogenic (1 of 4 stars; one submission).

Conditions:
Walker-Warburg congenital muscular dystrophy. Also called: Muscular dystrophy-dystroglycanopathy, type A; Walker-Warburg syndrome. Identifiers: Orphanet 899, MedGen C0265221, MONDO:0000171.

Submission:

Labcorp Genetics (formerly Invitae), Labcorp
Classification: Pathogenic for Walker-Warburg congenital muscular dystrophy. Last evaluated: 2023-02-21. Review status: criteria provided, single submitter. Criteria: Invitae Variant Classification Sherloc (09022015). Collection method: clinical testing. Allele origin: germline.
Comment: For these reasons, this variant has been classified as Pathogenic. Algorithms developed to predict the effect of sequence changes on RNA splicing suggest that this variant may disrupt the consensus splice site. This variant has not been reported in the literature in individuals affected with FKTN-related conditions. This variant is not present in population databases (gnomAD no frequency). This sequence change creates a premature translational stop signal (p.Ser329Leufs*4) in the FKTN gene. It is expected to result in an absent or disrupted protein product. Loss-of-function variants in FKTN are known to be pathogenic (PMID: 17044012, 17878207, 18752264).

Literature cited by the submitters: PubMed 17044012; PubMed 17878207; PubMed 18752264.